The following is an entry in ClinVar:

ClinVar aggregate classification (germline): Pathogenic (1 of 4 stars; one submission).

Submission:

Labcorp Genetics (formerly Invitae), Labcorp
Classification: Pathogenic. Last evaluated: 2023-04-28. Review status: criteria provided, single submitter. Criteria: Invitae Variant Classification Sherloc (09022015). Collection method: clinical testing. Allele origin: germline.
Comment: This variant has not been reported in the literature in individuals affected with MESP2-related conditions. For these reasons, this variant has been classified as Pathogenic. This variant is not present in population databases (gnomAD no frequency). This sequence change creates a premature translational stop signal (p.Leu108Cysfs*12) in the MESP2 gene. It is expected to result in an absent or disrupted protein product. Loss-of-function variants in MESP2 are known to be pathogenic (PMID: 9242490, 18485326).

Literature cited by the submitters: PubMed 9242490; PubMed 18485326.

NM_001039958.2(MESP2):c.321del (p.Leu108fs)

Genes: MESP2 (mesoderm posterior bHLH transcription factor 2; plus strand), LOC130057891 (ATAC-STARR-seq lymphoblastoid silent region 6806; plus strand). Cytogenetic location: 15q26.1.
Variant type: Deletion.
Coding change: c.321del on transcript NM_001039958.2 (MANE Select); coding-DNA position 321, one base deleted (T; older notation c.321delT).
Protein change: p.Leu108fs; shifts the reading frame from leucine 108.
Molecular consequence: frameshift variant.
Genome position (GRCh38, 1-based): chr15:89,776,678, T deleted; the last of 3 consecutive T bases (chr15:89,776,676-89,776,678); deleting any one gives the same sequence. VCF-style (leftmost placement, unchanged base first): chr15-89776675-CT-C. GRCh37 (hg19) VCF-style: chr15-90319906-CT-C.
Other names: short protein forms L108fs.
Identifiers: ClinVar variation 2755648 (VCV002755648.3), dbSNP rs2505185716, ClinGen allele CA2697549292.
Genomic context (GRCh38, chr15:89,776,675, plus strand): 5'-CAGCGAGCGGGAGAAACTGCGCATGCGCACGCTGGCCCGCGCCCTGCACGAGTTGCGCCG[CT>C]TTCTGCCTCCCTCCTTGGCGCCGGCCGGCCAGAGCCTGACCAAGATCGAGACGCTGCGCC-3'